The following is an entry in ClinVar:

ClinVar aggregate classification (germline): Uncertain significance (1 of 4 stars; one submission).

Conditions:
Hypomaturation-hypoplastic amelogenesis imperfecta with taurodontism. Also called: Amelogenesis imperfecta, type IV. Identifiers: Orphanet 100034, Orphanet 88661, MedGen C1863012, MONDO:0007093, OMIM 104510. Disease mechanism: loss of function.

Submission:

Institute of Human Genetics, University of Goettingen
Classification: Uncertain significance for Hypomaturation-hypoplastic amelogenesis imperfecta with taurodontism. Last evaluated: 2025-04-22. Review status: criteria provided, single submitter. Criteria: ACMG Guidelines, 2015. Collection method: clinical testing. Allele origin: unknown. Inheritance: Autosomal dominant inheritance. Affected: yes.
Comment: Novel variant. Variant not in gnomAD. Phenotype partially fits the patient's condition. Segregation within family unknown. Ambiguous results by in-silico prediction tools AlphaMissense (score 0.604) and REVEL (score 0.414).

NM_005220.3(DLX3):c.185C>T (p.Pro62Leu)

Gene: DLX3 (distal-less homeobox 3; minus strand). Cytogenetic location: 17q21.33.
Variant type: single nucleotide variant.
Coding change: c.185C>T on transcript NM_005220.3 (MANE Select); coding-DNA position 185, C replaced by T.
Protein change: p.Pro62Leu; replaces proline 62 with leucine.
Molecular consequence: missense variant.
Genome position (GRCh38, 1-based): chr17:49,994,814, G>A on the plus strand (C>T on the coding strand, the complement: DLX3 is on the minus strand). VCF-style: chr17-49994814-G-A. GRCh37 (hg19) VCF-style: chr17-48072178-G-A.
Other names: short protein forms P62L.
Identifiers: ClinVar variation 4073539 (VCV004073539.1).